The following is an entry in ClinVar:

ClinVar aggregate classification (germline): Likely benign. Review status: criteria provided, multiple submitters, no conflicts (2 of 4 stars). 2 submissions from 2 submitters: Likely benign (2). Last evaluated 2018-06-14.

Allele frequency attached by ClinVar (database versions not stated): 1000 Genomes Project 30x 0.01031; 1000 Genomes Project 0.01138; TOPMed 0.01840; gnomAD 0.01872 and 0.01897; gnomAD exomes 0.01892 and 0.02293; ExAC 0.02162.
gnomAD v4.1: 26,541 of 1,180,586 alleles (2.2%); highest among the groups gnomAD compares: Non-Finnish European, 2.6%; 351 homozygotes.

Submissions (2):

GeneDx
Classification: Likely benign. Last evaluated: 2018-06-14. Review status: criteria provided, single submitter. Criteria: GeneDx Variant Classification (06012015). Collection method: clinical testing. Allele origin: germline. Affected: yes.
Comment: This variant is considered likely benign or benign based on one or more of the following criteria: it is a conservative change, it occurs at a poorly conserved position in the protein, it is predicted to be benign by multiple in silico algorithms, and/or has population frequency not consistent with disease.

Breakthrough Genomics
Classification: Likely benign. Review status: criteria provided, single submitter. Criteria: ACMG Guidelines, 2015. Collection method: not provided. Allele origin: germline. Inheritance: Autosomal dominant inheritance. Affected: yes.

NM_020822.3(KCNT1):c.3177+129G>A

Gene: KCNT1 (potassium sodium-activated channel subfamily T member 1; plus strand). Cytogenetic location: 9q34.3.
Variant type: single nucleotide variant.
Coding change: c.3177+129G>A on transcript NM_020822.3 (MANE Select); 129 bases into the intron after coding-DNA position 3177, G replaced by A.
Molecular consequence: intron variant.
Genome position (GRCh38, 1-based): chr9:135,785,459, G>A. VCF-style: chr9-135785459-G-A. GRCh37 (hg19) VCF-style: chr9-138677305-G-A.
Other names: c.3042+129G>A (NM_001272003.2).
Identifiers: ClinVar variation 672543 (VCV000672543.2), dbSNP rs146429987, ClinGen allele CA5327711.